The following is an entry in ClinVar:

NM_001367624.2(ZNF469):c.11102A>G (p.Lys3701Arg)

Gene: ZNF469 (zinc finger protein 469; plus strand). Cytogenetic location: 16q24.2.
Variant type: single nucleotide variant.
Coding change: c.11102A>G on transcript NM_001367624.2 (MANE Select); coding-DNA position 11102, A replaced by G.
Protein change: p.Lys3701Arg; replaces lysine 3701 with arginine.
Molecular consequence: missense variant.
Genome position (GRCh38, 1-based): chr16:88,438,572, A>G. VCF-style: chr16-88438572-A-G. GRCh37 (hg19) VCF-style: chr16-88504980-A-G.
Other names: NM_001127464.1:c.11018A>G; short protein forms K3701R.
Identifiers: ClinVar variation 3573500 (VCV003573500.1).

ClinVar aggregate classification (germline): Uncertain significance (1 of 4 stars; one submission).

Submission:

GeneDx
Classification: Uncertain significance. Last evaluated: 2024-07-16. Review status: criteria provided, single submitter. Criteria: GeneDx Variant Classification Process June 2021. Collection method: clinical testing. Allele origin: germline. Affected: yes.
Comment: Has not been previously published as pathogenic or benign to our knowledge; Not observed at significant frequency in large population cohorts (gnomAD); In silico analysis indicates that this missense variant does not alter protein structure/function